The following is an entry in ClinVar:

NM_033064.5(ATCAY):c.*3C>T

Gene: ATCAY (ATCAY kinesin light chain interacting caytaxin; plus strand). Cytogenetic location: 19p13.3.
Variant type: single nucleotide variant.
Coding change: c.*3C>T on transcript NM_033064.5 (MANE Select); 3 bases downstream of the stop codon, C replaced by T.
Molecular consequence: 3 prime UTR variant.
Genome position (GRCh38, 1-based): chr19:3,924,595, C>T. VCF-style: chr19-3924595-C-T. GRCh37 (hg19) VCF-style: chr19-3924593-C-T.
Identifiers: ClinVar variation 4684298 (VCV004684298.1).
Genomic context (GRCh38, chr19:3,924,595, plus strand): 5'-CTTTTAACATTAACAGCAATAACTTGGCCTGTGTCTTTCCCTCCCTAGCATGTCCTGAGG[C>T]GACGTGAGCATAACAAAGGACATGGAAGAAGATTCCAGATGCCAGAAAACCTCTGTCAGA-3'

ClinVar aggregate classification (germline): Likely benign (1 of 4 stars; one submission).

gnomAD v4.1: 28 of 1,613,646 alleles (0.0017%); highest among the groups gnomAD compares: East Asian, 0.0067%; no homozygotes.

Submission:

Mayo Clinic Laboratories, Mayo Clinic
Classification: Likely benign. Last evaluated: 2025-10-06. Review status: criteria provided, single submitter. Criteria: ACMG Guidelines, 2015. Collection method: clinical testing. Allele origin: germline. Observed: 1 variant allele.
Comment: BP4, BP7